The following is an entry in ClinVar:

ClinVar aggregate classification (germline): Uncertain significance. Review status: criteria provided, multiple submitters, no conflicts (2 of 4 stars). 2 submissions from 2 submitters: Uncertain significance (2). Last evaluated 2022-08-24.

Conditions:
Amyotrophic lateral sclerosis type 21. Also called: VOCAL CORD AND PHARYNGEAL DYSFUNCTION WITH DISTAL MYOPATHY; MYOPATHY, DISTAL, 2. Identifiers: Orphanet 600, Orphanet 803, MedGen C3807521, MONDO:0011632, OMIM 606070.

Allele frequency attached by ClinVar (database versions not stated): gnomAD exomes below 0.00001 and 0.00001; ExAC 0.00001; gnomAD 0.00001; TOPMed 0.00001.
gnomAD v4.1: 13 of 1,613,992 alleles (0.00081%); highest among the groups gnomAD compares: African/African-American, 0.0013%; no homozygotes.

Submissions (2):

Labcorp Genetics (formerly Invitae), Labcorp
Classification: Uncertain significance for Amyotrophic lateral sclerosis type 21. Last evaluated: 2022-08-24. Review status: criteria provided, single submitter. Criteria: Invitae Variant Classification Sherloc (09022015). Collection method: clinical testing. Allele origin: germline.
Comment: In summary, the available evidence is currently insufficient to determine the role of this variant in disease. Therefore, it has been classified as a Variant of Uncertain Significance. Algorithms developed to predict the effect of missense changes on protein structure and function are either unavailable or do not agree on the potential impact of this missense change (SIFT: "Tolerated"; PolyPhen-2: "Probably Damaging"; Align-GVGD: "Class C0"). ClinVar contains an entry for this variant (Variation ID: 351123). This variant has not been reported in the literature in individuals affected with MATR3-related conditions. This variant is present in population databases (rs761842979, gnomAD 0.007%). This sequence change replaces aspartic acid, which is acidic and polar, with glutamic acid, which is acidic and polar, at codon 131 of the MATR3 protein (p.Asp131Glu).

Illumina Laboratory Services, Illumina
Classification: Uncertain significance for Amyotrophic lateral sclerosis type 21. Last evaluated: 2018-01-12. Review status: criteria provided, single submitter. Criteria: ICSL Variant Classification Criteria 13 December 2019. Collection method: clinical testing. Allele origin: germline.

NM_018834.6(MATR3):c.393C>A (p.Asp131Glu)

Gene: MATR3 (matrin 3; plus strand). Cytogenetic location: 5q31.2.
Variant type: single nucleotide variant.
Coding change: c.393C>A on transcript NM_018834.6 (MANE Select); coding-DNA position 393, C replaced by A.
Protein change: p.Asp131Glu; replaces aspartic acid 131 with glutamic acid.
Molecular consequence: missense variant. On other transcripts: intron variant (2).
Genome position (GRCh38, 1-based): chr5:139,307,808, C>A. VCF-style: chr5-139307808-C-A. GRCh37 (hg19) VCF-style: chr5-138643497-C-A.
Other names: c.393C>A, p.Asp131Glu (NM_001194954.2, NM_001194955.2, NM_199189.3); c.-102-6867C>A (NM_001282278.2); c.49-6867C>A (NM_001194956.2); short protein forms D131E.
Identifiers: ClinVar variation 351123 (VCV000351123.9), dbSNP rs761842979, ClinGen allele CA3432902.
Genomic context (GRCh38, chr5:139,307,808, plus strand): 5'-TTTGGCCAGCTTTGGTCTGTCTGCTAGAGACTTAGATGAACTGAGTCGTTATCCAGAGGA[C>A]AAGATTACTCCTGAGAATTTGCCCCAAATCCTTCTACAGCTTAAAAGGAGGAGAACTGAA-3'
Protein context (NP_061322.2, residues 121-141): DLDELSRYPE[Asp131Glu]KITPENLPQI